The following is an entry in ClinVar:

ClinVar aggregate classification (germline): Uncertain significance. Review status: criteria provided, multiple submitters, no conflicts (2 of 4 stars). 2 submissions from 2 submitters: Uncertain significance (2). Last evaluated 2025-07-05.

Conditions:
Hereditary cancer-predisposing syndrome. Also called: Neoplastic Syndromes, Hereditary; Tumor predisposition; Hereditary Cancer Syndrome; Hereditary neoplastic syndrome. Identifiers: Orphanet 140162, MedGen C0027672, MeSH D009386, MONDO:0015356.
Hereditary pheochromocytoma and paraganglioma. Also called: Hereditary paragangliomas and pheochromocytomas; Hereditary Paraganglioma-Pheochromocytoma Syndromes; Hereditary pheochromocytoma-paraganglioma. Identifiers: Orphanet 29072, MedGen C4274332, MONDO:0017366.

Submissions (2):

Ambry Genetics
Classification: Uncertain significance for Hereditary cancer-predisposing syndrome. Last evaluated: 2025-07-05. Review status: criteria provided, single submitter. Criteria: Ambry Variant Classification Scheme 2023. Collection method: clinical testing. Allele origin: germline.
Comment: The p.A38T variant (also known as c.112G>A), located in coding exon 1 of the TMEM127 gene, results from a G to A substitution at nucleotide position 112. The alanine at codon 38 is replaced by threonine, an amino acid with similar properties. This alteration was detected in a patient with paraganglioma and multiple renal papillary adenomas; however, this patient was also found to carry another TMEM127 alteration (c.7G>A p.A3T) (Gupta S et al. Endocr Pathol, 2017 Sep;28:253-268). This amino acid position is highly conserved in available vertebrate species. In addition, the in silico prediction for this alteration is inconclusive. Since supporting evidence is limited at this time, the clinical significance of this alteration remains unclear.

Labcorp Genetics (formerly Invitae), Labcorp
Classification: Uncertain significance for Hereditary pheochromocytoma and paraganglioma. Last evaluated: 2023-06-16. Review status: criteria provided, single submitter. Criteria: Invitae Variant Classification Sherloc (09022015). Collection method: clinical testing. Allele origin: germline.
Comment: This sequence change replaces alanine, which is neutral and non-polar, with threonine, which is neutral and polar, at codon 38 of the TMEM127 protein (p.Ala38Thr). In summary, the available evidence is currently insufficient to determine the role of this variant in disease. Therefore, it has been classified as a Variant of Uncertain Significance. An algorithm developed to predict the effect of missense changes on protein structure and function (PolyPhen-2) suggests that this variant is likely to be tolerated. ClinVar contains an entry for this variant (Variation ID: 2447060). This missense change has been observed in individual(s) with clinical features of TMEM127-related conditions (PMID: 28646318). The frequency data for this variant in the population databases is considered unreliable, as metrics indicate poor data quality at this position in the gnomAD database.

Literature cited by the submitters: PubMed 28646318 (cited by Ambry Genetics and Labcorp Genetics (formerly Invitae), Labcorp).

NM_017849.4(TMEM127):c.112G>A (p.Ala38Thr)

Genes: TMEM127 (transmembrane protein 127; minus strand), LOC129934333 (ATAC-STARR-seq lymphoblastoid silent region 11759; plus strand). Cytogenetic location: 2q11.2.
Variant type: single nucleotide variant.
Coding change: c.112G>A on transcript NM_017849.4 (MANE Select); coding-DNA position 112, G replaced by A.
Protein change: p.Ala38Thr; replaces alanine 38 with threonine.
Molecular consequence: missense variant. On other transcripts: intron variant (1).
Genome position (GRCh38, 1-based): chr2:96,265,270, C>T on the plus strand (G>A on the coding strand, the complement: TMEM127 is on the minus strand). VCF-style: chr2-96265270-C-T. GRCh37 (hg19) VCF-style: chr2-96931008-C-T.
Other names: c.112G>A, p.Ala38Thr (NM_001193304.3); c.-9+599G>A (NM_001407283.1); short protein forms A38T.
Identifiers: ClinVar variation 2447060 (VCV002447060.6), dbSNP rs1456398772, ClinGen allele CA347656092.